The following is an entry in ClinVar:

NM_001958.5(EEF1A2):c.958A>G (p.Ile320Val)

Gene: EEF1A2 (eukaryotic translation elongation factor 1 alpha 2; minus strand). Cytogenetic location: 20q13.33.
Variant type: single nucleotide variant.
Coding change: c.958A>G on transcript NM_001958.5 (MANE Select); coding-DNA position 958, A replaced by G.
Protein change: p.Ile320Val; replaces isoleucine 320 with valine.
Molecular consequence: missense variant.
Genome position (GRCh38, 1-based): chr20:63,490,550, T>C on the plus strand (A>G on the coding strand, the complement: EEF1A2 is on the minus strand). VCF-style: chr20-63490550-T-C. GRCh37 (hg19) VCF-style: chr20-62121903-T-C.
Other names: short protein forms I320V.
Identifiers: ClinVar variation 2431392 (VCV002431392.6), dbSNP rs935904739, ClinGen allele CA409647333.

ClinVar aggregate classification (germline): Uncertain significance. Review status: criteria provided, multiple submitters, no conflicts (2 of 4 stars). 3 submissions from 3 submitters: Uncertain significance (3). Last evaluated 2025-09-10.

Conditions:
Intellectual developmental disorder, autosomal dominant 38. Also called: Intellectual disability, autosomal dominant 38; PSYCHOMOTOR RETARDATION, EPILEPSY, AND LANGUAGE DISABILITY SYNDROME. Identifiers: MedGen C4225343, MONDO:0014617, OMIM 616393.
Developmental and epileptic encephalopathy, 33 (DEE33). Also called: Epileptic encephalopathy, early infantile, 33. Identifiers: Orphanet 442835, MedGen C4225337, MONDO:0014625, OMIM 616409.

Submissions (3):

Dasa
Classification: Uncertain significance. Last evaluated: 2025-09-10. Review status: criteria provided, single submitter. Criteria: DASA Assertion Criteria. Collection method: clinical testing. Allele origin: germline.
Comment: NM_001958.5(EEF1A2):c.958A>G (p.Ile320Val) is a missense variant that results in the substitution of isoleucine with valine. This variant is absent from population databases. Computational prediction algorithms are consistent with a benign effect. The currently available literature and clinical evidence are not sufficient to establish a definitive association between this variant and the reported condition. Therefore, this variant is classified as a variant of uncertain significance.

Labcorp Genetics (formerly Invitae), Labcorp
Classification: Uncertain significance for Developmental and epileptic encephalopathy, 33. Last evaluated: 2023-11-10. Review status: criteria provided, single submitter. Criteria: Invitae Variant Classification Sherloc (09022015). Collection method: clinical testing. Allele origin: germline.
Comment: This sequence change replaces isoleucine, which is neutral and non-polar, with valine, which is neutral and non-polar, at codon 320 of the EEF1A2 protein (p.Ile320Val). This variant is not present in population databases (gnomAD no frequency). This variant has not been reported in the literature in individuals affected with EEF1A2-related conditions. ClinVar contains an entry for this variant (Variation ID: 2431392). Advanced modeling of protein sequence and biophysical properties (such as structural, functional, and spatial information, amino acid conservation, physicochemical variation, residue mobility, and thermodynamic stability) performed at Invitae indicates that this missense variant is not expected to disrupt EEF1A2 protein function with a negative predictive value of 80%. In summary, the available evidence is currently insufficient to determine the role of this variant in disease. Therefore, it has been classified as a Variant of Uncertain Significance.

Laboratorio de Genetica e Diagnostico Molecular, Hospital Israelita Albert Einstein
Classification: Uncertain significance for Intellectual developmental disorder, autosomal dominant 38. Last evaluated: 2022-03-10. Review status: criteria provided, single submitter. Criteria: ACMG Guidelines, 2015. Collection method: clinical testing. Allele origin: germline. Affected: yes. Observed: 1 variant allele.
Comment: ACMG classification criteria: PM2 moderated, PP2 supporting, BP4 supporting